The following is an entry in ClinVar:

NR_199791.1(RNU2-2):n.191C>T

Genes: RNU2-2 (RNA, U2 small nuclear 2; minus strand), WDR74 (WD repeat domain 74; minus strand). Cytogenetic location: 11q12.3.
Variant type: single nucleotide variant.
Molecular consequence: non-coding transcript variant (on NR_199791.1). On other transcripts: 5 prime UTR variant (1).
Genome position: GRCh38 VCF-style: chr11-62841619-G-A. GRCh37 (hg19) VCF-style: chr11-62609091-G-A.
Other names: c.-348C>T (NM_001369451.1).
Identifiers: ClinVar variation 3898499 (VCV003898499.7).

ClinVar aggregate classification (germline): Benign (1 of 4 stars; one submission).

Submission:

CeGaT Center for Human Genetics Tuebingen
Classification: Benign. Last evaluated: 2026-09-01. Review status: criteria provided, single submitter. Criteria: CeGaT Center For Human Genetics Tuebingen Variant Classification Criteria Version 2. Collection method: clinical testing. Allele origin: germline. Affected: yes. Observed: 13 variant alleles.
Comment: RNU2-2: BS1, BS2